The following is an entry in ClinVar:

ClinVar aggregate classification (germline): Pathogenic. Review status: criteria provided, multiple submitters, no conflicts (2 of 4 stars). 8 submissions from 8 submitters: Pathogenic (6). 2 of the submissions do not count toward it. Last evaluated 2026-01-23.

Conditions:
Hypercalcemia, infantile, 1 (HCINF1). Identifiers: Orphanet 300547, MedGen CN031131, MONDO:0020739, OMIM 143880.
CYP24A1-related disorders.
CYP24A1-related disorder. Also called: CYP24A1-related condition.

Allele frequency attached by ClinVar (database versions not stated): gnomAD exomes 0.00008 and 0.00016; gnomAD 0.00014 and 0.00015; TOPMed 0.00014; ExAC 0.00016; ESP Exome Variant Server 0.00031.

Submissions (8):

GeneDx
Classification: Pathogenic. Last evaluated: 2026-01-23. Review status: criteria provided, single submitter. Criteria: GeneDx Variant Classification Process June 2021. Collection method: clinical testing. Allele origin: germline. Affected: yes.
Comment: In silico analysis supports that this missense variant has a deleterious effect on protein structure/function; This variant is associated with the following publications: (PMID: 36703897, 27394135, 28470390, 28324001, 27798933, 34426522, 30729229, 31288237, 26214117, 23293122, 35745247, 28456639, 34721296, 38586466)

Department of Genomic Medicine, Clinical Hospital Center Rijeka, Croatia
Classification: Pathogenic for Hypercalcemia, infantile, 1. Last evaluated: 2026-01-22. Review status: criteria provided, single submitter. Criteria: ACGS 2024 UK Practice Guidelines For Variant Classification. Collection method: clinical testing. Allele origin: germline. Inheritance: Autosomal recessive inheritance. Affected: yes. Observed: 1 variant allele, 1 compound heterozygote.
Comment: Has been reported as pathogenic in several independent patients with CYP24A1-associated disorders (PMID:27394135, 31288237, 33099630, 30729229, 26214117) [PM3_Str]. The identified variant is absent from controls in homozygous state and is present at extremely low frequency in heterozygous individuals in Exome Sequencing Project, 1000 Genomes Project, or Exome Aggregation Consortium [PM2]. Functional studies have been performed and support a pathogenic effect of the identified variant (PMID:17224124, 21697097, 31188746 - alteration in substrate binding: decrease of the enzyme activity of about 25%–50%) [PS3]. The identified variant is consistent with a specific referral clinical presentation [PP4]. The variant arose de novo in at least one reported proband (PMID:30729229) [PM6]. Based on the evidence presented above, we classify the identified variant as pathogenic.

Labcorp Genetics (formerly Invitae), Labcorp
Classification: Pathogenic. Last evaluated: 2026-01-07. Review status: criteria provided, single submitter. Criteria: Invitae Variant Classification Sherloc (09022015). Collection method: clinical testing. Allele origin: germline.
Comment: This sequence change replaces leucine, which is neutral and non-polar, with proline, which is neutral and non-polar, at codon 148 of the CYP24A1 protein (p.Leu148Pro). This variant is present in population databases (rs139763321, gnomAD 0.2%). This missense change has been observed in individual(s) with Infantile hypercalcemia (PMID: 23293122, 27394135, 27798933). In at least one individual the data is consistent with being in trans (on the opposite chromosome) from a pathogenic variant. It has also been observed to segregate with disease in related individuals. ClinVar contains an entry for this variant (Variation ID: 631878). Invitae Evidence Modeling of protein sequence and biophysical properties (such as structural, functional, and spatial information, amino acid conservation, physicochemical variation, residue mobility, and thermodynamic stability) indicates that this missense variant is expected to disrupt CYP24A1 protein function with a positive predictive value of 95%. For these reasons, this variant has been classified as Pathogenic.

Blueprint Genetics
Classification: Pathogenic for CYP24A1-related disorders. Last evaluated: 2024-10-11. Review status: criteria provided, single submitter. Criteria: ACMG Guidelines, 2015. Collection method: clinical testing. Allele origin: germline. Affected: yes. Observed: 5 variant alleles.

Fulgent Genetics
Classification: Pathogenic for Hypercalcemia, infantile, 1. Last evaluated: 2024-05-20. Review status: criteria provided, single submitter. Criteria: ACMG Guidelines, 2015. Collection method: clinical testing. Allele origin: germline.

Illumina Laboratory Services, Illumina
Classification: Pathogenic for Hypercalcemia, infantile, 1. Last evaluated: 2018-10-24. Review status: criteria provided, single submitter. Criteria: ICSL Variant Classification Criteria 09 May 2019. Collection method: clinical testing. Allele origin: germline.
Comment: The CYP24A1 c.443T>C (p.Leu148Pro) variant has been reported in five studies in which it is found in a total of ten affected individuals, all in a compound heterozygous state from five families (Nesterova et al. 2013; Molin et al. 2015; Gigante et al. 2016; Pronicka et al. 2017; Seidowsky et al. 2017). Phenotypes of the affected individuals included hypercalcemia, nephrocalcinosis, renal failure, and intermittent hypercalcemia. The variant has also been reported in a heterozygous state in six unaffected individuals (Nesterova et al. 2013; Molin et al. 2015; Gigante et al. 2016). The p.Leu148Pro variant was absent from 150 controls and is reported at a frequency of 0.001773 in the Ashkenazi Jewish population of the Genome Aggregation Database. The p.Leu148 residue is highly conserved. Modelling studies in the rat crystal structure suggest a role for the residue in catalysis (Gigante et al. 2016). Functional studies demonstrated that the variant did not result in any detectable 1,25(OH)2D-24-hydroxylase enzyme activity when expressed in proband fibroblasts (Nesterova et al. 2013). Based on the evidence, the p.Leu148Pro variant is classified as pathogenic for infantile hypercalcemia. This variant was observed by ICSL as part of a predisposition screen in an ostensibly healthy population.

PreventionGenetics, part of Exact Sciences
Classification: Pathogenic for CYP24A1-related condition. Last evaluated: 2024-08-29. Review status: no assertion criteria provided. Collection method: clinical testing. Allele origin: germline. Not counted in ClinVar's aggregate classification.
Comment: The CYP24A1 c.443T>C variant is predicted to result in the amino acid substitution p.Leu148Pro. This variant has been reported along with another pathogenic variant in multiple individuals with nephrolithiasis (Nesterova et al. 2013. PubMed ID: 23293122; Molin et al. 2015. PubMed ID: 26214117; Gigante et al. 2016. PubMed ID: 27394135). This variant is reported in 0.16% of alleles in individuals of Ashkenazi Jewish descent in gnomAD. This variant is interpreted as pathogenic.

Molecular Genetics Laboratory, Biobizkaia Health Research Institute
Classification: Pathogenic for Hypercalcemia, infantile, 1. Last evaluated: 2024-03-08. Review status: no assertion criteria provided. Collection method: clinical testing. Allele origin: paternal. Affected: yes. Not counted in ClinVar's aggregate classification.

Literature cited by the submitters: PubMed 27394135 (cited by 3 submitters); PubMed 31288237 (cited by Department of Genomic Medicine, Clinical Hospital Center Rijeka, Croatia); PubMed 33099630 (cited by Department of Genomic Medicine, Clinical Hospital Center Rijeka, Croatia); PubMed 30729229 (cited by Department of Genomic Medicine, Clinical Hospital Center Rijeka, Croatia); PubMed 26214117 (cited by Department of Genomic Medicine, Clinical Hospital Center Rijeka, Croatia and Illumina Laboratory Services, Illumina); PubMed 23293122 (cited by Labcorp Genetics (formerly Invitae), Labcorp and Illumina Laboratory Services, Illumina); PubMed 27798933 (cited by Labcorp Genetics (formerly Invitae), Labcorp).

NM_000782.5(CYP24A1):c.443T>C (p.Leu148Pro)

Gene: CYP24A1 (cytochrome P450 family 24 subfamily A member 1; minus strand). Cytogenetic location: 20q13.2.
Variant type: single nucleotide variant.
Coding change: c.443T>C on transcript NM_000782.5 (MANE Select); coding-DNA position 443, T replaced by C.
Protein change: p.Leu148Pro; replaces leucine 148 with proline.
Molecular consequence: missense variant.
Genome position (GRCh38, 1-based): chr20:54,172,915, A>G on the plus strand (T>C on the coding strand, the complement: CYP24A1 is on the minus strand). VCF-style: chr20-54172915-A-G. GRCh37 (hg19) VCF-style: chr20-52789454-A-G.
Other names: p.(Leu148Pro); c.443T>C, p.Leu148Pro (NM_001128915.2); short protein forms L148P.
Identifiers: ClinVar variation 631878 (VCV000631878.19), dbSNP rs139763321, ClinGen allele CA9916167.